The following is an entry in ClinVar:

ClinVar aggregate classification (germline): Uncertain significance (1 of 4 stars; one submission).

Submission:

Labcorp Genetics (formerly Invitae), Labcorp
Classification: Uncertain significance. Last evaluated: 2025-02-03. Review status: criteria provided, single submitter. Criteria: Invitae Variant Classification Sherloc (09022015). Collection method: clinical testing. Allele origin: germline.
Comment: This sequence change replaces aspartic acid, which is acidic and polar, with asparagine, which is neutral and polar, at codon 472 of the EGF protein (p.Asp472Asn). This variant is not present in population databases (gnomAD no frequency). This variant has not been reported in the literature in individuals affected with EGF-related conditions. An algorithm developed to predict the effect of missense changes on protein structure and function (PolyPhen-2) suggests that this variant is likely to be disruptive. In summary, the available evidence is currently insufficient to determine the role of this variant in disease. Therefore, it has been classified as a Variant of Uncertain Significance.

NM_001963.6(EGF):c.1414G>A (p.Asp472Asn)

Gene: EGF (epidermal growth factor; plus strand). Cytogenetic location: 4q25.
Variant type: single nucleotide variant.
Coding change: c.1414G>A on transcript NM_001963.6 (MANE Select); coding-DNA position 1414, G replaced by A.
Protein change: p.Asp472Asn; replaces aspartic acid 472 with asparagine.
Molecular consequence: missense variant.
Genome position (GRCh38, 1-based): chr4:109,963,274, G>A. VCF-style: chr4-109963274-G-A. GRCh37 (hg19) VCF-style: chr4-110884430-G-A.
Other names: c.1414G>A, p.Asp472Asn (NM_001178130.3); c.1288G>A, p.Asp430Asn (NM_001178131.3, NM_001357021.2); short protein forms D430N, D472N.
Identifiers: ClinVar variation 3635047 (VCV003635047.2).
Genomic context (GRCh38, chr4:109,963,274, plus strand): 5'-GTTCCTCTTAGCCCAGTATCCTGGGAATGTGATTGCTTTCCTGGGTATGACCTACAACTG[G>A]ATGAAAAAAGCTGTGCAGCTTCAGGTTAGTGCTGTGGTTGTCTGGAACTGTGTCCCTGAA-3'
Protein context (NP_001954.2, residues 462-482): DCFPGYDLQL[Asp472Asn]EKSCAASGPQ